The following is an entry in ClinVar:

ClinVar aggregate classification (germline): Uncertain significance (1 of 4 stars; one submission).

Conditions:
Inborn genetic diseases. Identifiers: MedGen C0950123, MeSH D030342.

Submission:

Ambry Genetics
Classification: Uncertain significance for Inborn genetic diseases. Last evaluated: 2026-05-18. Review status: criteria provided, single submitter. Criteria: Ambry Variant Classification Scheme 2023. Collection method: clinical testing. Allele origin: germline.
Comment: The p.V1046L variant (also known as c.3136G>T), located in coding exon 13 of the ASXL1 gene, results from a G to T substitution at nucleotide position 3136. The valine at codon 1046 is replaced by leucine, an amino acid with highly similar properties. This amino acid position is conserved. In addition, this alteration is predicted to be tolerated by in silico analysis. Based on the available evidence, the clinical significance of this variant remains unclear.

NM_015338.6(ASXL1):c.3136G>T (p.Val1046Leu)

Gene: ASXL1 (ASXL transcriptional regulator 1; plus strand). Cytogenetic location: 20q11.21.
Variant type: single nucleotide variant.
Coding change: c.3136G>T on transcript NM_015338.6 (MANE Select); coding-DNA position 3136, G replaced by T.
Protein change: p.Val1046Leu; replaces valine 1046 with leucine.
Molecular consequence: missense variant.
Genome position (GRCh38, 1-based): chr20:32,435,848, G>T. VCF-style: chr20-32435848-G-T. GRCh37 (hg19) VCF-style: chr20-31023651-G-T.
Other names: c.2953G>T, p.Val985Leu (NM_001363734.1); short protein forms V1046L, V985L.
Identifiers: ClinVar variation 4864682 (VCV004864682.1).